The following is an entry in ClinVar:

NM_020937.4(FANCM):c.3332T>G (p.Val1111Gly)

Gene: FANCM (FA complementation group M; plus strand). Cytogenetic location: 14q21.2.
Variant type: single nucleotide variant.
Coding change: c.3332T>G on transcript NM_020937.4 (MANE Select); coding-DNA position 3332, T replaced by G.
Protein change: p.Val1111Gly; replaces valine 1111 with glycine.
Molecular consequence: missense variant.
Genome position (GRCh38, 1-based): chr14:45,176,086, T>G. VCF-style: chr14-45176086-T-G. GRCh37 (hg19) VCF-style: chr14-45645289-T-G.
Other names: c.3254T>G, p.Val1085Gly (NM_001308133.2); short protein forms V1085G, V1111G.
Identifiers: ClinVar variation 4022780 (VCV004022780.1).

ClinVar aggregate classification (germline): Uncertain significance (1 of 4 stars; one submission).

Conditions:
Inborn genetic diseases. Identifiers: MedGen C0950123, MeSH D030342.

Submission:

Ambry Genetics
Classification: Uncertain significance for Inborn genetic diseases. Last evaluated: 2025-05-15. Review status: criteria provided, single submitter. Criteria: Ambry Variant Classification Scheme 2023. Collection method: clinical testing. Allele origin: germline.
Comment: The p.V1111G variant (also known as c.3332T>G), located in coding exon 14 of the FANCM gene, results from a T to G substitution at nucleotide position 3332. The valine at codon 1111 is replaced by glycine, an amino acid with dissimilar properties. This amino acid position is conserved. In addition, this alteration is predicted to be tolerated by in silico analysis. Based on the available evidence, the clinical significance of this variant remains unclear.